The following is an entry in ClinVar:

NM_000517.6(HBA2):c.391G>C (p.Ala131Pro)

Genes: HBA2 (hemoglobin subunit alpha 2; plus strand), LOC106804612 (hemoglobin subunit alpha 2 recombination region; plus strand). Cytogenetic location: 16p13.3.
Variant type: single nucleotide variant.
Coding change: c.391G>C on transcript NM_000517.6 (MANE Select); coding-DNA position 391, G replaced by C.
Protein change: p.Ala131Pro; replaces alanine 131 with proline.
Molecular consequence: missense variant.
Genome position (GRCh38, 1-based): chr16:173,562, G>C. VCF-style: chr16-173562-G-C. GRCh37 (hg19) VCF-style: chr16-223561-G-C.
Other names: A130P; c.391G>C (NM_000517.5); short protein forms A131P.
Identifiers: ClinVar variation 15640 (VCV000015640.13), dbSNP rs41529844, ClinGen allele CA125576.

ClinVar aggregate classification (germline): Conflicting classifications of pathogenicity. Review status: criteria provided, conflicting classifications (1 of 4 stars). 7 submissions from 7 submitters: Pathogenic (1); Likely pathogenic (4); Uncertain significance (1). 1 of the submissions does not count toward it. Last evaluated 2025-12-17.

Conditions:
Erythrocytosis, familial, 7. Also called: ERYTHROCYTOSIS, ALPHA-GLOBIN TYPE; POLYCYTHEMIA, ALPHA-GLOBIN TYPE; ERYTHROCYTOSIS 7. Identifiers: MedGen C4693823, MONDO:0054802, OMIM 617981.
Heinz body anemia. Also called: Heinz body hemolytic anemia. Identifiers: Orphanet 178330, MedGen C0700299, MONDO:0007705, OMIM 140700, HP:0005511.
Hemoglobin H disease (HBH). Also called: Hemoglobin H (HbH) Disease; HEMOGLOBIN H DISEASE, DELETIONAL; ALPHA-THALASSEMIA, HEMOGLOBIN H TYPE. Identifiers: Orphanet 93616, MedGen C3161174, MONDO:0013512, OMIM 613978. Disease mechanism: loss of function.
alpha Thalassemia. Also called: Alpha thalassemia spectrum. Identifiers: Orphanet 846, MedGen C0002312, MONDO:0011399, OMIM 604131.
HEMOGLOBIN SUN PRAIRIE.

Allele frequency attached by ClinVar (database versions not stated): ExAC 0.00001; gnomAD 0.00001; gnomAD exomes 0.00001.
gnomAD v4.1: 12 of 1,608,028 alleles (0.00075%); highest among the groups gnomAD compares: South Asian, 0.011%; no homozygotes.

Submissions (7):

Natera, Inc.
Classification: Likely pathogenic for Alpha thalassemia. Last evaluated: 2025-12-17. Review status: criteria provided, single submitter. Criteria: Natera Variant Classification Schema (03/2026). Collection method: clinical testing. Allele origin: germline.
Comment: The c.391G>C variant in HBA2 is a missense variant predicted to cause substitution of alanine to proline at amino acid 131. This variant is rare in the general population with a frequency below the threshold expected for the associated phenotype(s). This variant has been observed in one or more individuals affected with the associated recessive disease, as either homozygous or compound heterozygous with a second variant (PMID: 15813858, 2079430, 8811313, 18691171). Given the available evidence, this variant is classified as Likely Pathogenic.

Quest Diagnostics Nichols Institute San Juan Capistrano
Classification: Likely pathogenic. Last evaluated: 2025-06-30. Review status: criteria provided, single submitter. Criteria: Quest Diagnostics criteria. Collection method: clinical testing. Allele origin: unknown.
Comment: The HBA2 c.391G>C (p.Ala131Pro) variant (Hb Sun Prairie) has been reported in the published literature resulting in unstable hemoglobin and homozygous individuals were reported to present with chronic hemolysis and splenomegaly (HbVar,, PMIDs: 8811313 (1996), 26523940 (2016)). Individuals who are heterozygous for the Hb Sun Prairie mutation can be asymptomatic with a thalassemia carrier phenotype (PMID 8811313 (1996)). The frequency of this variant in the general population (Genome Aggregation Database) is consistent with pathogenicity. Analysis of this variant using bioinformatics tools for the prediction of the effect of amino acid changes on protein structure and function yielded conflicting predictions that this variant is deleterious or benign. Based on the available information, this variant is classified as likely pathogenic.

ARUP Laboratories, Molecular Genetics and Genomics, ARUP Laboratories
Classification: Pathogenic. Last evaluated: 2025-03-31. Review status: criteria provided, single submitter. Criteria: ARUP Molecular Germline Variant Investigation Process 2024. Collection method: clinical testing. Allele origin: germline.
Comment: The Hb Sun Prairie variant (HBA2: c.391G>C; p.Ala131Pro, also known as Ala130Pro when numbered from the mature protein, rs41529844, HbVar ID: 197) is a unstable hemoglobin reported in the literature in heterozygous individuals affected with microcytosis and hypochromia or with no symptoms (See HbVar and references therin). Homozygosity for Hb Sun Prairie is associated with Hb H disease and chronic hemolytic anemia (Hbvar, Farashi 2016, Jain 2021). This variant is also reported in ClinVar (Variation ID: 15640) and is found in the South Asian population with an allele frequency of 0.01% (3/30252 alleles) in the Genome Aggregation Database. Based on available information, this variant is considered to be pathogenic. References: Link to HbVar database: Farashi S et al. Point mutations which should not be overlooked in Hb H disease. Expert Rev Hematol. 2016 Jan;9(1):107-13. PMID: 26523940. Jain A et al. Hb Sun Prairie: A rare cause of chronic hemolysis in an Indian patient. Hematol Oncol Stem Cell Ther. 2021 Sep;14(3):257-259. PMID: 32199931.

Fulgent Genetics
Classification: Likely pathogenic for Heinz body anemia; alpha Thalassemia; Hemoglobin H disease; Erythrocytosis, familial, 7. Last evaluated: 2024-06-24. Review status: criteria provided, single submitter. Criteria: ACMG Guidelines, 2015. Collection method: clinical testing. Allele origin: germline.

GeneDx
Classification: Likely pathogenic. Last evaluated: 2024-06-10. Review status: criteria provided, single submitter. Criteria: GeneDx Variant Classification Process June 2021. Collection method: clinical testing. Allele origin: germline. Affected: yes.
Comment: In silico analysis supports that this missense variant has a deleterious effect on protein structure/function; Also known as Hb Sun Prairie; This variant is associated with the following publications: (PMID: 19373587, 38504512, 16503552, 20100235, 32199931, 2079430, 15813858, 2079431, 8811313, 18691171, 18932074, 15365991, 26523940, 26365411, 23402770)

Women's Health and Genetics/Laboratory Corporation of America, LabCorp
Classification: Uncertain significance. Last evaluated: 2023-05-02. Review status: criteria provided, single submitter. Criteria: LabCorp Variant Classification Summary - May 2015. Collection method: clinical testing. Allele origin: germline.
Comment: Variant summary: HBA2 c.391G>C (p.Ala131Pro), also known as Hb Sun Prairie results in a non-conservative amino acid change located in the Globin domain (IPR000971) of the encoded protein sequence. Three of five in-silico tools predict a benign effect of the variant on protein function. The variant allele was found at a frequency of 1.2e-05 in 248988 control chromosomes. c.391G>C has been reported in the literature as a homozygous genotype in multiple reports of individuals with features of chronic hemolysis some of who tested negative for the common deletions in the HBA genes (example, Harkness_1990, Plaseska_1990, Ho_1996, Sarkar_2005, Passarello_2008, Tamaddon_2009, Bayat_2013, Jain_2021). However some of these reports also describe the presence of this variant in cis with other alterations in the HBA2 gene such as a C > T transition in the 5'-untranslated region (UTR) (Sarkar_2005), or HBA2 26 G > A (Hb Caserta) (Passarello_2008, Tamaddon_2009). Variable extent of genotyping results reported make it challenging to determine the role of this variant in isolation. Therefore, these data indicate that the variant may be associated with disease. To our knowledge, no experimental evidence demonstrating an impact on protein function has been reported. The following publications have been ascertained in the context of this evaluation (PMID: 23402770, 26523940, 2079430, 8811313, 32199931, 18691171, 2079431, 15813858, 19373587). One clinical diagnostic laboratory and the OMIM database have submitted clinical-significance assessments for this variant to ClinVar after 2014 without evidence for independent evaluation. One laboratory classified the variant as likely pathogenic citing overlapping evidence utilized in the context of this evaluation. Based on the evidence outlined above, the variant in isolation was classified as VUS-possibly pathogenic.

OMIM
Classification: other for HEMOGLOBIN SUN PRAIRIE. Last evaluated: 2018-05-21. Review status: no assertion criteria provided. Collection method: literature only. Allele origin: germline. Not counted in ClinVar's aggregate classification.

Literature cited by the submitters: PubMed 15813858 (cited by 4 submitters); PubMed 2079430 (cited by 3 submitters); PubMed 8811313 (cited by 4 submitters); PubMed 18691171 (cited by 3 submitters); PubMed 2079431 (cited by 3 submitters); PubMed 26365411 (cited by Quest Diagnostics Nichols Institute San Juan Capistrano); PubMed 26523940 (cited by Quest Diagnostics Nichols Institute San Juan Capistrano and Women's Health and Genetics/Laboratory Corporation of America, LabCorp); PubMed 32199931 (cited by Quest Diagnostics Nichols Institute San Juan Capistrano and Women's Health and Genetics/Laboratory Corporation of America, LabCorp); PubMed 23402770 (cited by Women's Health and Genetics/Laboratory Corporation of America, LabCorp); PubMed 19373587 (cited by Women's Health and Genetics/Laboratory Corporation of America, LabCorp).